The following is an entry in ClinVar:

ClinVar aggregate classification (germline): Uncertain significance (1 of 4 stars; one submission).

Submission:

Labcorp Genetics (formerly Invitae), Labcorp
Classification: Uncertain significance. Last evaluated: 2024-08-21. Review status: criteria provided, single submitter. Criteria: Invitae Variant Classification Sherloc (09022015). Collection method: clinical testing. Allele origin: germline.
Comment: This sequence change replaces aspartic acid, which is acidic and polar, with glutamic acid, which is acidic and polar, at codon 22 of the POLE protein (p.Asp22Glu). This variant is not present in population databases (gnomAD no frequency). This variant has not been reported in the literature in individuals affected with POLE-related conditions. An algorithm developed to predict the effect of missense changes on protein structure and function outputs the following: PolyPhen-2: "Benign". The glutamic acid amino acid residue is found in multiple mammalian species, which suggests that this missense change does not adversely affect protein function. In summary, the available evidence is currently insufficient to determine the role of this variant in disease. Therefore, it has been classified as a Variant of Uncertain Significance.

NM_006231.4(POLE):c.66T>A (p.Asp22Glu)

Gene: POLE (DNA polymerase epsilon, catalytic subunit; minus strand). Cytogenetic location: 12q24.33.
Variant type: single nucleotide variant.
Coding change: c.66T>A on transcript NM_006231.4 (MANE Select); coding-DNA position 66, T replaced by A.
Protein change: p.Asp22Glu; replaces aspartic acid 22 with glutamic acid.
Molecular consequence: missense variant.
Genome position (GRCh38, 1-based): chr12:132,681,276, A>T on the plus strand (T>A on the coding strand, the complement: POLE is on the minus strand). VCF-style: chr12-132681276-A-T. GRCh37 (hg19) VCF-style: chr12-133257862-A-T.
Other names: short protein forms D22E.
Identifiers: ClinVar variation 3687359 (VCV003687359.2).